The following is an entry in ClinVar:

NM_001267550.2(TTN):c.90186_90188del (p.Thr30063del)

Genes: TTN (titin; minus strand), TTN-AS1 (TTN antisense RNA 1; plus strand). Cytogenetic location: 2q31.2.
Variant type: Deletion.
Coding change: c.90186_90188del on transcript NM_001267550.2 (MANE Select); coding-DNA positions 90186 to 90188, 3 bases deleted (CAC; older notation c.90186_90188delCAC).
Protein change: p.Thr30063del; deletes threonine 30063.
Molecular consequence: inframe deletion.
Genome position (GRCh38, 1-based): chr2:178,552,712-178,552,714, GTG deleted on the plus strand (CAC on the coding strand, the reverse complement: TTN is on the minus strand). VCF-style (leftmost placement, unchanged base first): chr2-178552711-TGTG-T. GRCh37 (hg19) VCF-style: chr2-179417438-TGTG-T.
Other names: c.62991_62993delCAC (NM_003319.4); c.85263_85265delCAC (NM_001256850.1); c.85263_85265del, p.Thr28422del (NM_001256850.1); c.62991_62993del, p.Thr20998del (NM_003319.4); c.82482_82484del, p.Thr27495del (NM_133378.4); c.63366_63368del, p.Thr21123del (NM_133432.3); c.63567_63569del, p.Thr21190del (NM_133437.4); short protein forms T20998del, T27495del, T21190del, T28422del, T30063del, T21123del.
Identifiers: ClinVar variation 671884 (VCV000671884.7), dbSNP rs758914867, ClinGen allele CA1987820.
Genomic context (GRCh38, chr2:178,552,711, plus strand): 5'-ACTTATGCCAGCGTGGGACCACGTCTGTTCACCTTTACCTTTCCTTTCTACAACATATTC[TGTG>T]ATGACGCTACCACCATCAAAGTCAGGTTTGGTCCAGCTGAGGATGACAGATGTCTTTGTT-3'

ClinVar aggregate classification (germline): Uncertain significance. Review status: criteria provided, multiple submitters, no conflicts (2 of 4 stars). 3 submissions from 3 submitters: Uncertain significance (3). Last evaluated 2023-03-22.

Conditions:
Cardiovascular phenotype. Identifiers: MedGen CN230736.
Tibial muscular dystrophy (TMD). Also called: Udd Distal Myopathy – Tibial Muscular Dystrophy; Tibial muscular dystrophy, tardive; UDD MYOPATHY. Identifiers: Orphanet 609, MedGen C1838244, MONDO:0010870, OMIM 600334.
Myopathy, myofibrillar, 9, with early respiratory failure (MFM9). Also called: Hereditary myopathy with early respiratory failure; EDSTROM MYOPATHY; MYOPATHY, PROXIMAL, WITH EARLY RESPIRATORY MUSCLE INVOLVEMENT; Myopathy, distal, with early respiratory failure, autosomal dominant. Identifiers: Orphanet 178464, Orphanet 34521, MedGen C1863599, MONDO:0011362, OMIM 603689.
Hypertrophic cardiomyopathy 9. Also called: Familial hypertrophic cardiomyopathy 9. Identifiers: MedGen C1861065, MONDO:0013412, OMIM 613765.
Early-onset myopathy with fatal cardiomyopathy (CMYO5). Also called: Salih Myopathy; CONGENITAL MYOPATHY 5 WITH CARDIOMYOPATHY. Identifiers: Orphanet 289377, MedGen C2673677, MONDO:0012714, OMIM 611705. Disease mechanism: loss of function.
Autosomal recessive limb-girdle muscular dystrophy type 2J (LGMDR10). Also called: Limb-girdle muscular dystrophy, type 2J; MUSCULAR DYSTROPHY, LIMB-GIRDLE, AUTOSOMAL RECESSIVE 10. Identifiers: Orphanet 140922, MedGen C1837342, MONDO:0012127, OMIM 608807.
Dilated cardiomyopathy 1G (CMD1G). Identifiers: Orphanet 154, MedGen C1858763, MONDO:0011400, OMIM 604145.

Allele frequency attached by ClinVar (database versions not stated): TOPMed below 0.00001; ExAC 0.00001; gnomAD exomes 0.00001 and 0.00002.

Submissions (3):

Ambry Genetics
Classification: Uncertain significance for Cardiovascular phenotype. Last evaluated: 2023-03-22. Review status: criteria provided, single submitter. Criteria: Ambry Variant Classification Scheme 2023. Collection method: clinical testing. Allele origin: germline.
Comment: The c.62991_62993delCAC variant (also known as p.T20998del) is located in coding exon 162 of the TTN gene. This variant results from an in-frame CAC deletion at nucleotide positions 62991 to 62993. This results in the in-frame deletion of a threonine at codon 20998. This amino acid position is not well conserved in available vertebrate species. In addition, this alteration is predicted to be deleterious by in silico analysis (Choi Y et al. PLoS ONE. 2012; 7(10):e46688). Since supporting evidence is limited at this time, the clinical significance of this alteration remains unclear.

GeneDx
Classification: Uncertain significance. Last evaluated: 2021-10-14. Review status: criteria provided, single submitter. Criteria: GeneDx Variant Classification Process June 2021. Collection method: clinical testing. Allele origin: germline. Affected: yes.
Comment: Has not been previously published as pathogenic or benign to our knowledge; Not observed at significant frequency in large population cohorts (Lek et al., 2016); Predicted to result in the in-frame deletion of one amino acid, in a gene in which most reported pathogenic variants are truncating/loss-of-function

Fulgent Genetics
Classification: Uncertain significance for Tibial muscular dystrophy; Myopathy, myofibrillar, 9, with early respiratory failure; Dilated cardiomyopathy 1G; Autosomal recessive limb-girdle muscular dystrophy type 2J; Early-onset myopathy with fatal cardiomyopathy; Hypertrophic cardiomyopathy 9. Last evaluated: 2021-07-16. Review status: criteria provided, single submitter. Criteria: ACMG Guidelines, 2015. Collection method: clinical testing. Allele origin: unknown.